The following is an entry in ClinVar:

NM_006445.4(PRPF8):c.1289+13C>T

Gene: PRPF8 (pre-mRNA processing factor 8; minus strand). Cytogenetic location: 17p13.3.
Variant type: single nucleotide variant.
Coding change: c.1289+13C>T on transcript NM_006445.4 (MANE Select); 13 bases into the intron after coding-DNA position 1289, C replaced by T.
Molecular consequence: intron variant.
Genome position (GRCh38, 1-based): chr17:1,679,596, G>A on the plus strand (C>T on the coding strand, the complement: PRPF8 is on the minus strand). VCF-style: chr17-1679596-G-A. GRCh37 (hg19) VCF-style: chr17-1582890-G-A.
Identifiers: ClinVar variation 321911 (VCV000321911.13), dbSNP rs199729224, ClinGen allele CA8272396.

ClinVar aggregate classification (germline): Benign/Likely benign. Review status: criteria provided, multiple submitters, no conflicts (2 of 4 stars). 3 submissions from 3 submitters: Benign (1); Likely benign (2). Last evaluated 2026-01-12.

Conditions:
Retinitis pigmentosa (RP). Identifiers: Orphanet 791, MedGen C0035334, MeSH D012174, MONDO:0019200, OMIM 268000. Inheritance: Autosomal dominant, autosomal recessive and X linked inheritance.

Allele frequency attached by ClinVar (database versions not stated): 1000 Genomes Project 30x 0.00016; 1000 Genomes Project 0.00020; ESP Exome Variant Server 0.00062; TOPMed 0.00116; gnomAD 0.00134 and 0.00135; ExAC 0.00146; gnomAD exomes 0.00147.
gnomAD v4.1: 2,609 of 1,612,882 alleles (0.16%); highest among the groups gnomAD compares: Non-Finnish European, 0.19%; 5 homozygotes.

Submissions (3):

Labcorp Genetics (formerly Invitae), Labcorp
Classification: Benign. Last evaluated: 2026-01-12. Review status: criteria provided, single submitter. Criteria: Invitae Variant Classification Sherloc (09022015). Collection method: clinical testing. Allele origin: germline.

Blueprint Genetics
Classification: Likely benign. Last evaluated: 2024-11-11. Review status: criteria provided, single submitter. Criteria: ACMG Guidelines, 2015. Collection method: clinical testing. Allele origin: germline.

Illumina Laboratory Services, Illumina
Classification: Likely benign for Retinitis pigmentosa. Last evaluated: 2018-01-13. Review status: criteria provided, single submitter. Criteria: ICSL Variant Classification Criteria 13 December 2019. Collection method: clinical testing. Allele origin: germline.
Comment: This variant was observed in the ICSL laboratory as part of a predisposition screen in an ostensibly healthy population. It had not been previously curated by ICSL or reported in the Human Gene Mutation Database (HGMD: prior to June 1st, 2018), and was therefore a candidate for classification through an automated scoring system. Utilizing variant allele frequency, disease prevalence and penetrance estimates, and inheritance mode, an automated score was calculated to assess if this variant is too frequent to cause the disease. Based on the score and internal cut-off values, a variant classified as likely benign is not then subjected to further curation. The score for this variant resulted in a classification of likely benign for this disease.